The following is an entry in ClinVar:

ClinVar aggregate classification (germline): Uncertain significance (1 of 4 stars; one submission).

Submission:

GeneDx
Classification: Uncertain significance. Last evaluated: 2023-12-12. Review status: criteria provided, single submitter. Criteria: GeneDx Variant Classification Process June 2021. Collection method: clinical testing. Allele origin: germline. Affected: yes.
Comment: Not observed at significant frequency in large population cohorts (gnomAD); In silico analysis supports that this missense variant has a deleterious effect on protein structure/function; Has not been previously published as pathogenic or benign to our knowledge

NM_032217.5(ANKRD17):c.3586G>T (p.Val1196Leu)

Gene: ANKRD17 (ankyrin repeat domain 17; minus strand). Cytogenetic location: 4q13.3.
Variant type: single nucleotide variant.
Coding change: c.3586G>T on transcript NM_032217.5 (MANE Select); coding-DNA position 3586, G replaced by T.
Protein change: p.Val1196Leu; replaces valine 1196 with leucine.
Molecular consequence: missense variant.
Genome position (GRCh38, 1-based): chr4:73,121,666, C>A on the plus strand (G>T on the coding strand, the complement: ANKRD17 is on the minus strand). VCF-style: chr4-73121666-C-A. GRCh37 (hg19) VCF-style: chr4-73987383-C-A.
Other names: c.3247G>T, p.Val1083Leu (NM_001286771.3); c.3583G>T, p.Val1195Leu (NM_015574.2); c.2833G>T, p.Val945Leu (NM_198889.3); short protein forms V1083L, V1195L, V1196L, V945L.
Identifiers: ClinVar variation 3365187 (VCV003365187.1).